The following is an entry in ClinVar:

ClinVar aggregate classification (germline): Uncertain significance (1 of 4 stars; one submission).

Conditions:
Epileptic encephalopathy. Identifiers: MedGen C0543888, HP:0200134.

gnomAD v4.1: 6 of 1,611,578 alleles (0.00037%); highest among the groups gnomAD compares: Non-Finnish European, 0.00051%; no homozygotes.

Submission:

Labcorp Genetics (formerly Invitae), Labcorp
Classification: Uncertain significance for Epileptic encephalopathy. Last evaluated: 2022-02-10. Review status: criteria provided, single submitter. Criteria: Invitae Variant Classification Sherloc (09022015). Collection method: clinical testing. Allele origin: germline.
Comment: This sequence change replaces serine, which is neutral and polar, with phenylalanine, which is neutral and non-polar, at codon 2221 of the FASN protein (p.Ser2221Phe). The frequency data for this variant in the population databases is considered unreliable, as metrics indicate poor data quality at this position in the gnomAD database. This variant has not been reported in the literature in individuals affected with FASN-related conditions. ClinVar contains an entry for this variant (Variation ID: 576396). Algorithms developed to predict the effect of missense changes on protein structure and function (SIFT, PolyPhen-2, Align-GVGD) all suggest that this variant is likely to be tolerated. In summary, the available evidence is currently insufficient to determine the role of this variant in disease. Therefore, it has been classified as a Variant of Uncertain Significance.

NM_004104.5(FASN):c.6662C>T (p.Ser2221Phe)

Gene: FASN (fatty acid synthase; minus strand). Cytogenetic location: 17q25.3.
Variant type: single nucleotide variant.
Coding change: c.6662C>T on transcript NM_004104.5 (MANE Select); coding-DNA position 6662, C replaced by T.
Protein change: p.Ser2221Phe; replaces serine 2221 with phenylalanine.
Molecular consequence: missense variant.
Genome position (GRCh38, 1-based): chr17:82,080,856, G>A on the plus strand (C>T on the coding strand, the complement: FASN is on the minus strand). VCF-style: chr17-82080856-G-A. GRCh37 (hg19) VCF-style: chr17-80038732-G-A.
Other names: short protein forms S2221F.
Identifiers: ClinVar variation 576396 (VCV000576396.9), dbSNP rs774233186, ClinGen allele CA401598885.